The following is an entry in ClinVar:

ClinVar aggregate classification (germline): Benign/Likely benign. Review status: criteria provided, multiple submitters, no conflicts (2 of 4 stars). 5 submissions from 5 submitters: Benign (1); Likely benign (4). Last evaluated 2026-01-18.

Allele frequency attached by ClinVar (database versions not stated): 1000 Genomes Project 30x 0.00016; gnomAD 0.00073 and 0.00075; TOPMed 0.00080; ESP Exome Variant Server 0.00102; ExAC 0.00114.
gnomAD v4.1: 1,845 of 1,586,864 alleles (0.12%); highest among the groups gnomAD compares: Non-Finnish European, 0.14%; no homozygotes.

Submissions (5):

Labcorp Genetics (formerly Invitae), Labcorp
Classification: Benign. Last evaluated: 2026-01-18. Review status: criteria provided, single submitter. Criteria: Invitae Variant Classification Sherloc (09022015). Collection method: clinical testing. Allele origin: germline.

Blueprint Genetics
Classification: Likely benign. Last evaluated: 2024-10-21. Review status: criteria provided, single submitter. Criteria: ACMG Guidelines, 2015. Collection method: clinical testing. Allele origin: germline.

CeGaT Center for Human Genetics Tuebingen
Classification: Likely benign. Last evaluated: 2024-10-01. Review status: criteria provided, single submitter. Criteria: CeGaT Center For Human Genetics Tuebingen Variant Classification Criteria Version 2. Collection method: clinical testing. Allele origin: germline. Affected: yes. Observed: 3 variant alleles.
Comment: CEACAM16: BP4, BP7

GeneDx
Classification: Likely benign. Last evaluated: 2019-07-15. Review status: criteria provided, single submitter. Criteria: GeneDx Variant Classification Process June 2021. Collection method: clinical testing. Allele origin: germline. Affected: yes.

Laboratory for Molecular Medicine, Mass General Brigham Personalized Medicine
Classification: Likely benign. Last evaluated: 2014-11-24. Review status: criteria provided, single submitter. Criteria: LMM Criteria. Collection method: clinical testing. Allele origin: germline. Observed: 1 variant allele.
Comment: p.Asp333Asp in exon 6 of CEACAM16: This variant is not expected to have clinical significance because it does not alter an amino acid residue and is not located within the splice consensus sequence. This variant has been identified in 0.17% (86/49062) of European chromosomes by the Exome Aggregation Consortium (ExAC; dbSNP rs200767877).

NM_001039213.4(CEACAM16):c.999C>T (p.Asp333=)

Genes: CEACAM16-AS1 (CEACAM16, CEACAM19 and PVR antisense RNA 1; minus strand), CEACAM16 (CEA cell adhesion molecule 16, tectorial membrane component; plus strand). Cytogenetic location: 19q13.32.
Variant type: single nucleotide variant.
Coding change: c.999C>T on transcript NM_001039213.4 (MANE Select); coding-DNA position 999, C replaced by T.
Protein change: p.Asp333=; no amino-acid change (aspartic acid 333 retained).
Molecular consequence: synonymous variant.
Genome position (GRCh38, 1-based): chr19:44,707,919, C>T. VCF-style: chr19-44707919-C-T. GRCh37 (hg19) VCF-style: chr19-45211191-C-T.
Identifiers: ClinVar variation 504818 (VCV000504818.39), dbSNP rs200767877, ClinGen allele CA9503208.